The following is an entry in ClinVar:

NM_001130009.3(GEN1):c.2619T>G (p.Ser873Arg)

Gene: GEN1 (GEN1 structure-specific endonuclease; plus strand). Cytogenetic location: 2p24.2.
Variant type: single nucleotide variant.
Coding change: c.2619T>G on transcript NM_001130009.3 (MANE Select); coding-DNA position 2619, T replaced by G.
Protein change: p.Ser873Arg; replaces serine 873 with arginine.
Molecular consequence: missense variant.
Genome position (GRCh38, 1-based): chr2:17,781,831, T>G. VCF-style: chr2-17781831-T-G. GRCh37 (hg19) VCF-style: chr2-17963098-T-G.
Other names: c.2619T>G, p.Ser873Arg (NM_182625.5); short protein forms S873R.
Identifiers: ClinVar variation 984968 (VCV000984968.13), dbSNP rs57936182, ClinGen allele CA1540988.

ClinVar aggregate classification (germline): Benign/Likely benign. Review status: criteria provided, multiple submitters, no conflicts (2 of 4 stars). 4 submissions from 4 submitters: Benign (1); Likely benign (3). Last evaluated 2026-01-28.

Conditions:
GEN1-related disorder. Also called: GEN1-related condition.
Breast neoplasm. Also called: Breast Neoplasms; Neoplasm of breast; Breast tumor; Neoplasm of the breast. Identifiers: MedGen C1458155, MeSH D001943, MONDO:0021100, HP:0100013. Disease mechanism: gain of function.

Allele frequency attached by ClinVar (database versions not stated): ESP Exome Variant Server 0.00300; gnomAD 0.00369 and 0.00447; TOPMed 0.00421; gnomAD exomes 0.00541 and 0.00596; ExAC 0.00611; 1000 Genomes Project 30x 0.00937; 1000 Genomes Project 0.00998.
gnomAD v4.1: 8,566 of 1,612,318 alleles (0.53%); highest among the groups gnomAD compares: East Asian, 3.9%; 83 homozygotes.

Submissions (4):

Labcorp Genetics (formerly Invitae), Labcorp
Classification: Benign. Last evaluated: 2026-01-28. Review status: criteria provided, single submitter. Criteria: Invitae Variant Classification Sherloc (09022015). Collection method: clinical testing. Allele origin: germline.

Department of Pathology and Laboratory Medicine, Sinai Health System
Classification: Likely benign for GEN1-related disorder. Last evaluated: 2021-07-30. Review status: criteria provided, single submitter. Criteria: ACMG Guidelines, 2015. Collection method: research. Allele origin: germline.

ACT Genomics,
Classification: Likely benign for Breast neoplasm. Last evaluated: 2020-11-06. Review status: criteria provided, single submitter. Criteria: ACMG Guidelines, 2015. Collection method: clinical testing. Allele origin: germline. Inheritance: Autosomal dominant inheritance. Affected: yes. Observed: 1 heterozygote.
Comment: The allele frequency of this variant c.2619T>G (p.Ser873Arg) is 0.021 in East Asian of gnomAD and 0.03 in East Asian in 1000 Genomes. The variant is predicted to be tolerated by both SIFT or PolyPhen2. For these reasons, this variant has been classified as Likely Benign.

Breakthrough Genomics
Classification: Likely benign. Review status: criteria provided, single submitter. Criteria: ACMG Guidelines, 2015. Collection method: not provided. Allele origin: germline. Inheritance: Unknown mechanism. Affected: yes.